The following is an entry in ClinVar:

NM_053025.4(MYLK):c.754+17G>A

Gene: MYLK (myosin light chain kinase; minus strand). Cytogenetic location: 3q21.1.
Variant type: single nucleotide variant.
Coding change: c.754+17G>A on transcript NM_053025.4 (MANE Select); 17 bases into the intron after coding-DNA position 754, G replaced by A.
Molecular consequence: intron variant.
Genome position (GRCh38, 1-based): chr3:123,737,361, C>T on the plus strand (G>A on the coding strand, the complement: MYLK is on the minus strand). VCF-style: chr3-123737361-C-T. GRCh37 (hg19) VCF-style: chr3-123456208-C-T.
Other names: c.226+17G>A (NM_001321309.2); c.754+17G>A (NM_053028.4, NM_053026.4, NM_053027.4).
Identifiers: ClinVar variation 262296 (VCV000262296.11), dbSNP rs146661440, ClinGen allele CA073519.

ClinVar aggregate classification (germline): Benign/Likely benign. Review status: criteria provided, multiple submitters, no conflicts (2 of 4 stars). 5 submissions from 5 submitters: Benign (1); Likely benign (4). Last evaluated 2026-02-03.

Conditions:
Aortic aneurysm, familial thoracic 7 (AAT7). Also called: AORTIC DISSECTION, FAMILIAL, WITH OR WITHOUT AORTIC ANEURYSM. Identifiers: MedGen C3151077, MONDO:0013418, OMIM 613780.

Allele frequency attached by ClinVar (database versions not stated): gnomAD exomes 0.00009 and 0.00014; ExAC 0.00013; 1000 Genomes Project 30x 0.00016; 1000 Genomes Project 0.00020; ESP Exome Variant Server 0.00023; gnomAD 0.00031; TOPMed 0.00036.
gnomAD v4.1: 196 of 1,614,088 alleles (0.012%); highest among the groups gnomAD compares: African/African-American, 0.11%; 1 homozygote.

Submissions (5):

Labcorp Genetics (formerly Invitae), Labcorp
Classification: Likely benign for Aortic aneurysm, familial thoracic 7. Last evaluated: 2026-02-03. Review status: criteria provided, single submitter. Criteria: Invitae Variant Classification Sherloc (09022015). Collection method: clinical testing. Allele origin: germline.

Blueprint Genetics
Classification: Likely benign. Last evaluated: 2024-05-21. Review status: criteria provided, single submitter. Criteria: ACMG Guidelines, 2015. Collection method: clinical testing. Allele origin: germline.

Women's Health and Genetics/Laboratory Corporation of America, LabCorp
Classification: Benign. Last evaluated: 2023-07-21. Review status: criteria provided, single submitter. Criteria: LabCorp Variant Classification Summary - May 2015. Collection method: clinical testing. Allele origin: germline.

GeneDx
Classification: Likely benign. Last evaluated: 2017-07-14. Review status: criteria provided, single submitter. Criteria: GeneDx Variant Classification (06012015). Collection method: clinical testing. Allele origin: germline. Affected: yes.
Comment: This variant is considered likely benign or benign based on one or more of the following criteria: it is a conservative change, it occurs at a poorly conserved position in the protein, it is predicted to be benign by multiple in silico algorithms, and/or has population frequency not consistent with disease.

PreventionGenetics, part of Exact Sciences
Classification: Likely benign. Review status: criteria provided, single submitter. Criteria: ACMG Guidelines, 2015. Collection method: clinical testing. Allele origin: germline.